The following is an entry in ClinVar:

ClinVar aggregate classification (germline): Likely benign (0 of 4 stars; one submission).

Conditions:
KATNIP-related disorder. Also called: KATNIP-related condition.

Allele frequency attached by ClinVar (database versions not stated): gnomAD exomes below 0.00001; TOPMed below 0.00001.
gnomAD v4.1: 6 of 1,614,038 alleles (0.00037%); highest among the groups gnomAD compares: Middle Eastern, 0.016%; no homozygotes.

Submission:

PreventionGenetics, part of Exact Sciences
Classification: Likely benign for KATNIP-related condition. Last evaluated: 2024-01-29. Review status: no assertion criteria provided. Collection method: clinical testing. Allele origin: germline.
Comment: This variant is classified as likely benign based on ACMG/AMP sequence variant interpretation guidelines (Richards et al. 2015 PMID: 25741868, with internal and published modifications).

NM_015202.5(KATNIP):c.3066A>G (p.Pro1022=)

Gene: KATNIP (katanin interacting protein; plus strand). Cytogenetic location: 16p12.1.
Variant type: single nucleotide variant.
Coding change: c.3066A>G on transcript NM_015202.5 (MANE Select); coding-DNA position 3066, A replaced by G.
Protein change: p.Pro1022=; no amino-acid change (proline 1022 retained).
Molecular consequence: synonymous variant.
Genome position (GRCh38, 1-based): chr16:27,750,026, A>G. VCF-style: chr16-27750026-A-G. GRCh37 (hg19) VCF-style: chr16-27761347-A-G.
Identifiers: ClinVar variation 3053031 (VCV003053031.2), dbSNP rs1412780046, ClinGen allele CA494473556.